The following is an entry in ClinVar:

ClinVar aggregate classification (germline): Uncertain significance (1 of 4 stars; one submission).

Conditions:
Primary dilated cardiomyopathy (DCM). Also called: Dilated Cardiomyopathy. Identifiers: Orphanet 217604, MedGen C0007193, MeSH D002311, MONDO:0005021, HP:0001644. Inheritance: Various modes of inheritance.
Hypertrophic cardiomyopathy. Also called: HYPERTROPHIC MYOCARDIOPATHY. Identifiers: Orphanet 217569, MedGen C0007194, MeSH D002312, MONDO:0005045, HP:0001639.

Allele frequency attached by ClinVar (database versions not stated): gnomAD exomes below 0.00001; ExAC 0.00001; gnomAD 0.00001.

Submission:

Labcorp Genetics (formerly Invitae), Labcorp
Classification: Uncertain significance for Hypertrophic cardiomyopathy; Primary dilated cardiomyopathy. Last evaluated: 2020-08-22. Review status: criteria provided, single submitter. Criteria: Invitae Variant Classification Sherloc (09022015). Collection method: clinical testing. Allele origin: germline.
Comment: This sequence change replaces methionine with leucine at codon 60 of the PDLIM3 protein (p.Met60Leu). The methionine residue is highly conserved and there is a small physicochemical difference between methionine and leucine. This variant is present in population databases (rs764788096, ExAC 0.001%). This variant has not been reported in the literature in individuals with PDLIM3-related conditions. Algorithms developed to predict the effect of missense changes on protein structure and function are either unavailable or do not agree on the potential impact of this missense change (SIFT: "Deleterious"; PolyPhen-2: "Possibly Damaging"; Align-GVGD: "Class C0"). In summary, the available evidence is currently insufficient to determine the role of this variant in disease. Therefore, it has been classified as a Variant of Uncertain Significance.

NM_014476.6(PDLIM3):c.178A>C (p.Met60Leu)

Gene: PDLIM3 (PDZ and LIM domain 3; minus strand). Cytogenetic location: 4q35.1.
Variant type: single nucleotide variant.
Coding change: c.178A>C on transcript NM_014476.6 (MANE Select); coding-DNA position 178, A replaced by C.
Protein change: p.Met60Leu; replaces methionine 60 with leucine.
Molecular consequence: missense variant. On other transcripts: non-coding transcript variant (1), intron variant (1).
Genome position (GRCh38, 1-based): chr4:185,525,087, T>G on the plus strand (A>C on the coding strand, the complement: PDLIM3 is on the minus strand). VCF-style: chr4-185525087-T-G. GRCh37 (hg19) VCF-style: chr4-186446241-T-G.
Other names: c.178A>C, p.Met60Leu (NM_001114107.5, NM_001257962.2); c.93+10255A>C (NM_001257963.2); short protein forms M60L.
Identifiers: ClinVar variation 1052175 (VCV001052175.9), dbSNP rs764788096, ClinGen allele CA3159888.
Genomic context (GRCh38, chr4:185,525,087, plus strand): 5'-TTTTGAGACACAGCTGGTGAGCTGCTGCTTTAATCCTGTCCTGCGCATCAGCATGAGTCA[T>G]GGACTCTGTCCCAAAGCCGTCAATAGCCAGGATGACATCTCCAGGACACAGGTTGGCAGC-3'
Protein context (NP_055291.2, residues 50-70): LAIDGFGTES[Met60Leu]THADAQDRIK